The following is an entry in ClinVar:

NM_133259.4(LRPPRC):c.1697A>G (p.Lys566Arg)

Gene: LRPPRC (leucine rich pentatricopeptide repeat containing; minus strand). Cytogenetic location: 2p21.
Variant type: single nucleotide variant.
Coding change: c.1697A>G on transcript NM_133259.4 (MANE Select); coding-DNA position 1697, A replaced by G.
Protein change: p.Lys566Arg; replaces lysine 566 with arginine.
Molecular consequence: missense variant.
Genome position (GRCh38, 1-based): chr2:43,949,640, T>C on the plus strand (A>G on the coding strand, the complement: LRPPRC is on the minus strand). VCF-style: chr2-43949640-T-C. GRCh37 (hg19) VCF-style: chr2-44176779-T-C.
Other names: short protein forms K566R.
Identifiers: ClinVar variation 2229035 (VCV002229035.3), dbSNP rs2466580832, ClinGen allele CA346677559.

ClinVar aggregate classification (germline): Uncertain significance. Review status: criteria provided, multiple submitters, no conflicts (2 of 4 stars). 2 submissions from 2 submitters: Uncertain significance (2). Last evaluated 2023-12-06.

Conditions:
Inborn genetic diseases. Identifiers: MedGen C0950123, MeSH D030342.

Allele frequency attached by ClinVar (database versions not stated): gnomAD exomes below 0.00001.
gnomAD v4.1: 3 of 1,613,926 alleles (0.00019%); highest among the groups gnomAD compares: African/African-American, 0.0013%; no homozygotes.

Submissions (2):

GeneDx
Classification: Uncertain significance. Last evaluated: 2023-12-06. Review status: criteria provided, single submitter. Criteria: GeneDx Variant Classification Process June 2021. Collection method: clinical testing. Allele origin: germline. Affected: yes.
Comment: Not observed at significant frequency in large population cohorts (gnomAD); In silico analysis supports that this missense variant does not alter protein structure/function; Has not been previously published as pathogenic or benign to our knowledge

Ambry Genetics
Classification: Uncertain significance for Inborn genetic diseases. Last evaluated: 2021-08-12. Review status: criteria provided, single submitter. Criteria: Ambry Variant Classification Scheme 2023. Collection method: clinical testing. Allele origin: germline.